The following is an entry in ClinVar:

ClinVar aggregate classification (germline): Uncertain significance. Review status: criteria provided, multiple submitters, no conflicts (2 of 4 stars). 2 submissions from 2 submitters: Uncertain significance (2). Last evaluated 2022-10-17.

Conditions:
Osteogenesis imperfecta (OI). Identifiers: Orphanet 666, MedGen C0029434, MeSH D010013, MONDO:0019019.

Allele frequency attached by ClinVar (database versions not stated): ExAC 0.00001; gnomAD exomes 0.00002 and 0.00003; gnomAD 0.00003 and 0.00004; TOPMed 0.00007.

Submissions (3):

Labcorp Genetics (formerly Invitae), Labcorp
Classification: Uncertain significance. Last evaluated: 2022-10-17. Review status: criteria provided, single submitter. Criteria: Invitae Variant Classification Sherloc (09022015). Collection method: clinical testing. Allele origin: germline.
Comment: This sequence change falls in intron 5 of the FKBP10 gene. It does not directly change the encoded amino acid sequence of the FKBP10 protein. It affects a nucleotide within the consensus splice site. This variant is present in population databases (rs782117189, gnomAD 0.004%). This variant has not been reported in the literature in individuals affected with FKBP10-related conditions. ClinVar contains an entry for this variant (Variation ID: 1702008). Variants that disrupt the consensus splice site are a relatively common cause of aberrant splicing (PMID: 17576681, 9536098). Algorithms developed to predict the effect of sequence changes on RNA splicing suggest that this variant is not likely to affect RNA splicing. In summary, the available evidence is currently insufficient to determine the role of this variant in disease. Therefore, it has been classified as a Variant of Uncertain Significance.

Genome Diagnostics Laboratory, The Hospital for Sick Children
Classification: Uncertain significance for Osteogenesis imperfecta. Last evaluated: 2021-01-19. Review status: criteria provided, single submitter. Criteria: ACMG Guidelines, 2015. Collection method: clinical testing. Allele origin: germline.

Dr. Peter K. Rogan Lab, Western University
No classification provided (evidence only). Condition: Cervical cancer. Review status: no classification provided. Collection method: in vitro. Allele origin: not applicable. Functional consequence: retained intron. Not counted in ClinVar's aggregate classification.

Literature cited by the submitters: PubMed 17576681 (cited by Labcorp Genetics (formerly Invitae), Labcorp); PubMed 9536098 (cited by Labcorp Genetics (formerly Invitae), Labcorp).

NM_021939.4(FKBP10):c.917+5G>A

Gene: FKBP10 (FKBP prolyl isomerase 10; plus strand). Cytogenetic location: 17q21.2.
Variant type: single nucleotide variant.
Coding change: c.917+5G>A on transcript NM_021939.4 (MANE Select); 5 bases into the intron after coding-DNA position 917, G replaced by A.
Molecular consequence: intron variant.
Genome position (GRCh38, 1-based): chr17:41,819,404, G>A. VCF-style: chr17-41819404-G-A. GRCh37 (hg19) VCF-style: chr17-39975656-G-A.
Identifiers: ClinVar variation 1702008 (VCV001702008.6), dbSNP rs782117189, ClinGen allele CA8566405.